The following is an entry in ClinVar:

ClinVar aggregate classification (germline): Conflicting classifications of pathogenicity. Review status: criteria provided, conflicting classifications (1 of 4 stars). 4 submissions from 4 submitters: Uncertain significance (1); Benign (1); Likely benign (2). Last evaluated 2026-01-29.

Conditions:
Growth hormone insensitivity with immune dysregulation 1, autosomal recessive. Also called: GROWTH HORMONE INSENSITIVITY SYNDROME WITH IMMUNE DYSREGULATION 1, AUTOSOMAL RECESSIVE; Laron syndrome with immunodeficiency; GROWTH HORMONE INSENSITIVITY DUE TO POSTRECEPTOR DEFECT; LARON SYNDROME DUE TO POSTRECEPTOR DEFECT. Identifiers: Orphanet 220465, MedGen C5435698, MONDO:0100211, OMIM 245590.

Allele frequency attached by ClinVar (database versions not stated): 1000 Genomes Project 0.00020; 1000 Genomes Project 30x 0.00031; gnomAD 0.00034 and 0.00036; TOPMed 0.00037; ESP Exome Variant Server 0.00069.
gnomAD v4.1: 1,197 of 1,614,134 alleles (0.074%); highest among the groups gnomAD compares: Non-Finnish European, 0.095%; 3 homozygotes.

Submissions (4):

Labcorp Genetics (formerly Invitae), Labcorp
Classification: Benign for Growth hormone insensitivity with immune dysregulation 1, autosomal recessive. Last evaluated: 2026-01-29. Review status: criteria provided, single submitter. Criteria: Invitae Variant Classification Sherloc (09022015). Collection method: clinical testing. Allele origin: germline.

CeGaT Center for Human Genetics Tuebingen
Classification: Likely benign. Last evaluated: 2024-10-01. Review status: criteria provided, single submitter. Criteria: CeGaT Center For Human Genetics Tuebingen Variant Classification Criteria Version 2. Collection method: clinical testing. Allele origin: germline. Affected: yes. Observed: 1 variant allele.
Comment: STAT5B: BP4, BP7

Blueprint Genetics
Classification: Likely benign. Last evaluated: 2024-09-17. Review status: criteria provided, single submitter. Criteria: ACMG Guidelines, 2015. Collection method: clinical testing. Allele origin: germline.

Eurofins Ntd Llc (ga)
Classification: Uncertain significance. Last evaluated: 2016-09-08. Review status: criteria provided, single submitter. Criteria: EGL Classification Definitions 2015. Collection method: clinical testing. Allele origin: germline. Observed: 1 variant allele, 1 heterozygote.

NM_012448.4(STAT5B):c.1569G>A (p.Arg523=)

Gene: STAT5B (signal transducer and activator of transcription 5B; minus strand). Cytogenetic location: 17q21.2.
Variant type: single nucleotide variant.
Coding change: c.1569G>A on transcript NM_012448.4 (MANE Select); coding-DNA position 1569, G replaced by A.
Protein change: p.Arg523=; no amino-acid change (arginine 523 retained).
Molecular consequence: synonymous variant.
Genome position (GRCh38, 1-based): chr17:42,212,095, C>T on the plus strand (G>A on the coding strand, the complement: STAT5B is on the minus strand). VCF-style: chr17-42212095-C-T. GRCh37 (hg19) VCF-style: chr17-40364113-C-T.
Identifiers: ClinVar variation 289504 (VCV000289504.30), dbSNP rs143172354, ClinGen allele CA8573998.
Genomic context (GRCh38, chr17:42,212,095, plus strand): 5'-GCTGCTGCTGTTGTTGAACAGTTTCTGCGCCAGGAACACGAGGTTCTCCTTGGTCAGGCC[C>T]CGGTTGCTCTGCACTTCGGCCTTGAATTTCATGTTGAGCGCCTCACACAGCTGTGGCCAC-3'
Protein context (NP_036580.2, residues 513-533): MKFKAEVQSN[Arg523=]GLTKENLVFL